The following is an entry in ClinVar:

NM_001723.7(DST):c.5385T>A (p.Leu1795=)

Gene: DST (dystonin; minus strand). Cytogenetic location: 6p12.1.
Variant type: single nucleotide variant.
Coding change: c.5385T>A on transcript NM_001723.7 (MANE Plus Clinical); coding-DNA position 5385, T replaced by A.
Protein change: p.Leu1795=; no amino-acid change (leucine 1795 retained).
Molecular consequence: synonymous variant. On other transcripts: intron variant (10).
Genome position (GRCh38, 1-based): chr6:56,618,649, A>T on the plus strand (T>A on the coding strand, the complement: DST is on the minus strand). VCF-style: chr6-56618649-A-T. GRCh37 (hg19) VCF-style: chr6-56483447-A-T.
Other names: c.4831-4165T>A (NM_001144769.5); c.4930-4165T>A (NM_001374722.1, NM_001374736.1); c.4957-4165T>A (NM_001374734.1); c.4417-4165T>A (NM_001144770.2); c.4297-4165T>A (NM_001374730.1, NM_001386100.1, NM_183380.4 and 1 more transcripts); c.3319-4165T>A (NM_015548.5).
Identifiers: ClinVar variation 2160707 (VCV002160707.26), dbSNP rs765699417, ClinGen allele CA3870370.

ClinVar aggregate classification (germline): Likely benign. Review status: criteria provided, multiple submitters, no conflicts (2 of 4 stars). 2 submissions from 2 submitters: Likely benign (2). Last evaluated 2024-11-26.

Conditions:
Hereditary sensory and autonomic neuropathy type 6. Also called: HSAN VI; Neuropathy, hereditary sensory and autonomic, type VI. Identifiers: Orphanet 314381, MedGen C3539003, MONDO:0013839, OMIM 614653.
Epidermolysis bullosa simplex 3, localized or generalized intermediate, with BP230 deficiency (EBS3). Also called: Epidermolysis bullosa simplex due to BP230 deficiency; Epidermolysis bullosa simplex, autosomal recessive 2. Identifiers: Orphanet 412181, MedGen C3809470, MONDO:0014180, OMIM 615425.

Allele frequency attached by ClinVar (database versions not stated): gnomAD 0.00001; ExAC 0.00002; TOPMed 0.00002; gnomAD exomes 0.00005.
gnomAD v4.1: 73 of 1,614,014 alleles (0.0045%); highest among the groups gnomAD compares: Non-Finnish European, 0.0056%; no homozygotes.

Submissions (2):

Labcorp Genetics (formerly Invitae), Labcorp
Classification: Likely benign for Epidermolysis bullosa simplex 3, localized or generalized intermediate, with BP230 deficiency; Hereditary sensory and autonomic neuropathy type 6. Last evaluated: 2024-11-26. Review status: criteria provided, single submitter. Criteria: Invitae Variant Classification Sherloc (09022015). Collection method: clinical testing. Allele origin: germline.

CeGaT Center for Human Genetics Tuebingen
Classification: Likely benign. Last evaluated: 2024-02-01. Review status: criteria provided, single submitter. Criteria: CeGaT Center For Human Genetics Tuebingen Variant Classification Criteria Version 2. Collection method: clinical testing. Allele origin: germline. Affected: yes. Observed: 1 variant allele.
Comment: DST: BP4, BP7